The following is an entry in ClinVar:

NM_030665.4(RAI1):c.4657T>C (p.Cys1553Arg)

Gene: RAI1 (retinoic acid induced 1; plus strand). Cytogenetic location: 17p11.2.
Variant type: single nucleotide variant.
Coding change: c.4657T>C on transcript NM_030665.4 (MANE Select); coding-DNA position 4657, T replaced by C.
Protein change: p.Cys1553Arg; replaces cysteine 1553 with arginine.
Molecular consequence: missense variant.
Genome position (GRCh38, 1-based): chr17:17,797,605, T>C. VCF-style: chr17-17797605-T-C. GRCh37 (hg19) VCF-style: chr17-17700919-T-C.
Other names: short protein forms C1553R.
Identifiers: ClinVar variation 588862 (VCV000588862.15), dbSNP rs145585334, ClinGen allele CA8419001.
Genomic context (GRCh38, chr17:17,797,605, plus strand): 5'-AGCTATTCCAAGCGGAAGCGCCTCACTCGGGGCCGGGCCAAGAACACCACCTCTTCACCC[T>C]GTAAGGGGCGTGCCAAGCGACGACGACAGCAGCAGGTGCTGCCCCTGGATCCCGCAGAGC-3'
Protein context (NP_109590.3, residues 1543-1563): GRAKNTTSSP[Cys1553Arg]KGRAKRRRQQ

ClinVar aggregate classification (germline): Conflicting classifications of pathogenicity. Review status: criteria provided, conflicting classifications (1 of 4 stars). 3 submissions from 3 submitters: Uncertain significance (1); Likely benign (1). 1 of the submissions does not count toward it. Last evaluated 2025-10-10.

Conditions:
RAI1-related disorder. Also called: RAI1-related condition.
Inborn genetic diseases. Identifiers: MedGen C0950123, MeSH D030342.

Allele frequency attached by ClinVar (database versions not stated): ESP Exome Variant Server 0.00008; 1000 Genomes Project 30x 0.00016; 1000 Genomes Project 0.00020; gnomAD exomes 0.00001 and 0.00002; ExAC 0.00002; TOPMed 0.00004; gnomAD 0.00006 and 0.00007.
gnomAD v4.1: 32 of 1,613,966 alleles (0.002%); highest among the groups gnomAD compares: Admixed American, 0.012%; no homozygotes.

Submissions (3):

Labcorp Genetics (formerly Invitae), Labcorp
Classification: Likely benign. Last evaluated: 2025-10-10. Review status: criteria provided, single submitter. Criteria: Invitae Variant Classification Sherloc (09022015). Collection method: clinical testing. Allele origin: germline.

Ambry Genetics
Classification: Uncertain significance for Inborn genetic diseases. Last evaluated: 2018-05-22. Review status: criteria provided, single submitter. Criteria: Ambry Variant Classification Scheme 2023. Collection method: clinical testing. Allele origin: germline.
Comment: The p.C1553R variant (also known as c.4657T>C), located in coding exon 1 of the RAI1 gene, results from a T to C substitution at nucleotide position 4657. The cysteine at codon 1553 is replaced by arginine, an amino acid with highly dissimilar properties. This amino acid position is highly conserved in available vertebrate species. In addition, this alteration is predicted to be tolerated by in silico analysis. Since supporting evidence is limited at this time, the clinical significance of this alteration remains unclear.

PreventionGenetics, part of Exact Sciences
Classification: Likely benign for RAI1-related condition. Last evaluated: 2023-08-03. Review status: no assertion criteria provided. Collection method: clinical testing. Allele origin: germline. Not counted in ClinVar's aggregate classification.
Comment: This variant is classified as likely benign based on ACMG/AMP sequence variant interpretation guidelines (Richards et al. 2015 PMID: 25741868, with internal and published modifications).